The following is an entry in ClinVar:

NM_005159.4(ACTC1):c.*214G>A

Genes: ACTC1 (actin alpha cardiac muscle 1; minus strand), GJD2-DT (GJD2 divergent transcript; plus strand). Cytogenetic location: 15q14.
Variant type: single nucleotide variant.
Coding change: c.*214G>A on transcript NM_005159.4; 214 bases downstream of the stop codon, G replaced by A.
Genome position (GRCh38, 1-based): chr15:34,790,198, C>T on the plus strand (G>A on the coding strand, the complement: ACTC1 is on the minus strand). VCF-style: chr15-34790198-C-T. GRCh37 (hg19) VCF-style: chr15-35082399-C-T.
Identifiers: ClinVar variation 888205 (VCV000888205.36), dbSNP rs540240407, ClinGen allele CA268659938.

ClinVar aggregate classification (germline): Conflicting classifications of pathogenicity. Review status: criteria provided, conflicting classifications (1 of 4 stars). 4 submissions from 3 submitters: Uncertain significance (2); Benign (1); Likely benign (1). Last evaluated 2023-05-01.

Conditions:
Hypertrophic cardiomyopathy 11. Also called: ACTC1-Related Familial Hypertrophic Cardiomyopathy. Identifiers: MedGen C2677506, MONDO:0012799, OMIM 612098.
Dilated cardiomyopathy 1R (CMD1R). Identifiers: Orphanet 154, Orphanet 54260, MedGen C3150681, MONDO:0013261, OMIM 613424.

Allele frequency attached by ClinVar (database versions not stated): 1000 Genomes Project 30x 0.00172; TOPMed 0.00089; 1000 Genomes Project 0.00200.

Submissions (4):

CeGaT Center for Human Genetics Tuebingen
Classification: Likely benign. Last evaluated: 2023-05-01. Review status: criteria provided, single submitter. Criteria: CeGaT Center For Human Genetics Tuebingen Variant Classification Criteria Version 2. Collection method: clinical testing. Allele origin: germline. Affected: yes. Observed: 11 variant alleles.
Comment: ACTC1: BS1

Illumina Laboratory Services, Illumina
Classification: Uncertain significance for Dilated cardiomyopathy 1R. Last evaluated: 2018-01-13. Review status: criteria provided, single submitter. Criteria: ICSL Variant Classification Criteria 13 December 2019. Collection method: clinical testing. Allele origin: germline.

Illumina Laboratory Services, Illumina
Classification: Uncertain significance for Hypertrophic cardiomyopathy 11. Last evaluated: 2018-01-13. Review status: criteria provided, single submitter. Criteria: ICSL Variant Classification Criteria 13 December 2019. Collection method: clinical testing. Allele origin: germline.

GeneDx
Classification: Benign. Last evaluated: 2015-03-03. Review status: criteria provided, single submitter. Criteria: GeneDx Variant Classification Process June 2021. Collection method: clinical testing. Allele origin: germline. Affected: yes.